The following is an entry in ClinVar:

NM_176787.5(PIGN):c.2426+1G>A

Gene: PIGN (phosphatidylinositol glycan anchor biosynthesis class N; minus strand). Cytogenetic location: 18q21.33.
Variant type: single nucleotide variant.
Coding change: c.2426+1G>A on transcript NM_176787.5 (MANE Select); the canonical splice donor site of the intron after coding-DNA position 2426, G replaced by A.
Molecular consequence: splice donor variant.
Genome position (GRCh38, 1-based): chr18:62,085,208, C>T on the plus strand (G>A on the coding strand, the complement: PIGN is on the minus strand). VCF-style: chr18-62085208-C-T. GRCh37 (hg19) VCF-style: chr18-59752441-C-T.
Other names: c.2426+1G>A (NM_012327.6).
Identifiers: ClinVar variation 4070941 (VCV004070941.1).

ClinVar aggregate classification (germline): Likely pathogenic (1 of 4 stars; one submission).

Conditions:
Multiple congenital anomalies-hypotonia-seizures syndrome 1 (MCAHS1). Also called: GLYCOSYLPHOSPHATIDYLINOSITOL BIOSYNTHESIS DEFECT 3; PIGN-CDG; Congenital disorder of glycosylation due to PIGN deficiency. Identifiers: Orphanet 280633, MedGen C3279775, MONDO:0013563, OMIM 614080.

gnomAD v4.1: 2 of 1,490,270 alleles (0.00013%); highest among the groups gnomAD compares: South Asian, 0.0012%; no homozygotes.

Submission:

Diagnostics Services (NGS), CSIR - Centre For Cellular And Molecular Biology
Classification: Likely pathogenic for Multiple congenital anomalies-hypotonia-seizures syndrome 1. Last evaluated: 2025-07-10. Review status: criteria provided, single submitter. Criteria: ACMG Guidelines, 2015. Collection method: clinical testing. Allele origin: unknown. Affected: yes. Observed: 1 variant allele, 1 heterozygote.
Comment: The c.2426+1G>A variant is not present in 1000 Genomes, EVS, Indian Exome Database and our internal database. The variant is present in gnomAD at low frequencies. This variant has neither been published in the literature for PIGN-related conditions nor reported to clinical databases like ClinVar, HGMD or OMIM, in any affected individuals. Algorithms developed to predict the effect of sequence changes on RNA splicing suggest that this variant may disrupt the consensus splice site. In-silico pathogenicity prediction programs like HSF3.1, MutationTaster2021, CADD, Franklin, Varsome, etc, predicted this variant to be likely deleterious, however, these predictions were not confirmed by any published functional/translational studies.